The following is an entry in ClinVar:

ClinVar aggregate classification (germline): Uncertain significance (1 of 4 stars; one submission).

Conditions:
Phenylketonuria (PKU). Also called: Phenylketonuria (PKU); FOLLING DISEASE; OLIGOPHRENIA PHENYLPYRUVICA; Phenylketonurias. Identifiers: Orphanet 716, MedGen C0031485, MONDO:0009861, OMIM 261600. Disease mechanism: loss of function.

Submission:

Labcorp Genetics (formerly Invitae), Labcorp
Classification: Uncertain significance for Phenylketonuria. Last evaluated: 2023-08-10. Review status: criteria provided, single submitter. Criteria: Invitae Variant Classification Sherloc (09022015). Collection method: clinical testing. Allele origin: germline.
Comment: This variant has not been reported in the literature in individuals affected with PAH-related conditions. This variant is not present in population databases (gnomAD no frequency). This sequence change replaces glutamine, which is neutral and polar, with lysine, which is basic and polar, at codon 235 of the PAH protein (p.Gln235Lys). ClinVar contains an entry for this variant (Variation ID: 1384686). In summary, the available evidence is currently insufficient to determine the role of this variant in disease. Therefore, it has been classified as a Variant of Uncertain Significance. Advanced modeling of protein sequence and biophysical properties (such as structural, functional, and spatial information, amino acid conservation, physicochemical variation, residue mobility, and thermodynamic stability) performed at Invitae indicates that this missense variant is not expected to disrupt PAH protein function.

NM_000277.3(PAH):c.703C>A (p.Gln235Lys)

Gene: PAH (phenylalanine hydroxylase; minus strand). Cytogenetic location: 12q23.2.
Variant type: single nucleotide variant.
Coding change: c.703C>A on transcript NM_000277.3 (MANE Select); coding-DNA position 703, C replaced by A.
Protein change: p.Gln235Lys; replaces glutamine 235 with lysine.
Molecular consequence: missense variant.
Genome position (GRCh38, 1-based): chr12:102,855,139, G>T on the plus strand (C>A on the coding strand, the complement: PAH is on the minus strand). VCF-style: chr12-102855139-G-T. GRCh37 (hg19) VCF-style: chr12-103248917-G-T.
Other names: c.703C>A, p.Gln235Lys (NM_001354304.2); short protein forms Q235K.
Identifiers: ClinVar variation 1384686 (VCV001384686.8), dbSNP rs1237792711, ClinGen allele CA386296544.